The following is an entry in ClinVar:

NM_004519.4(KCNQ3):c.2454C>T (p.Phe818=)

Gene: KCNQ3 (potassium voltage-gated channel subfamily Q member 3; minus strand). Cytogenetic location: 8q24.22.
Variant type: single nucleotide variant.
Coding change: c.2454C>T on transcript NM_004519.4 (MANE Select); coding-DNA position 2454, C replaced by T.
Protein change: p.Phe818=; no amino-acid change (phenylalanine 818 retained).
Molecular consequence: synonymous variant.
Genome position (GRCh38, 1-based): chr8:132,129,427, G>A on the plus strand (C>T on the coding strand, the complement: KCNQ3 is on the minus strand). VCF-style: chr8-132129427-G-A. GRCh37 (hg19) VCF-style: chr8-133141674-G-A.
Other names: c.2454C>T (NM_004519.3); c.2094C>T, p.Phe698= (NM_001204824.2).
Identifiers: ClinVar variation 626127 (VCV000626127.10), dbSNP rs375379466, ClinGen allele CA4880439.

ClinVar aggregate classification (germline): Conflicting classifications of pathogenicity. Review status: criteria provided, conflicting classifications (1 of 4 stars). 3 submissions from 3 submitters: Uncertain significance (1); Likely benign (1). 1 of the submissions does not count toward it. Last evaluated 2024-09-12.

Conditions:
KCNQ3-related disorder. Also called: KCNQ3-related condition; KCNQ3-Related Disorders. Identifiers: MedGen CN381530.
Benign neonatal seizures. Also called: Benign familial neonatal epilepsy; Convulsions benign familial neonatal dominant form; Autosomal dominant form of benign neonatal seizures; Benign familial neonatal seizures; Benign neonatal familial convulsions. Identifiers: Orphanet 1949, MedGen C0220669, MONDO:0016027.
Seizures, benign familial neonatal, 2. Also called: Seizures, benign neonatal, 2; Benign Neonatal Epilepsy 2; CONVULSIONS, BENIGN FAMILIAL NEONATAL, 2; KCNQ3-Related Benign Familial Neonatal Epilepsy; KCNQ3-Related Self-Limited Familial Neonatal Epilepsy (SLFNE). Identifiers: Orphanet 1949, MedGen C1852581, MONDO:0007366, OMIM 121201.

Allele frequency attached by ClinVar (database versions not stated): gnomAD exomes 0.00003 and 0.00001; ExAC 0.00004; ESP Exome Variant Server 0.00008; gnomAD 0.00006; TOPMed 0.00006.
gnomAD v4.1: 21 of 1,614,054 alleles (0.0013%); highest among the groups gnomAD compares: African/African-American, 0.016%; no homozygotes.

Submissions (3):

Labcorp Genetics (formerly Invitae), Labcorp
Classification: Likely benign for Benign neonatal seizures. Last evaluated: 2024-09-12. Review status: criteria provided, single submitter. Criteria: Invitae Variant Classification Sherloc (09022015). Collection method: clinical testing. Allele origin: germline.

Center for Genomics, Ann and Robert H. Lurie Children's Hospital of Chicago
Classification: Uncertain significance for Seizures, benign familial neonatal, 2. Last evaluated: 2021-03-30. Review status: criteria provided, single submitter. Criteria: ACMG Guidelines, 2015. Collection method: clinical testing. Allele origin: germline.
Comment: KCNQ3 NM_004519.3 exon 15 p.Phe818= (c.2454C>T): This variant has not been reported in the literature but is present in 0.02% (5/24028) of African alleles in the Genome Aggregation Database. Evolutionary conservation and computational predictive tools for this variant are limited or unavailable. Of note, this variant is a silent variant and does not change the amino acid, reducing the probability that this variant is disease causing. In summary, data on this variant is insufficient for disease classification. Therefore, the clinical significance of this variant is uncertain.

PreventionGenetics, part of Exact Sciences
Classification: Likely benign for KCNQ3-related condition. Last evaluated: 2019-09-17. Review status: no assertion criteria provided. Collection method: clinical testing. Allele origin: germline. Not counted in ClinVar's aggregate classification.
Comment: This variant is classified as likely benign based on ACMG/AMP sequence variant interpretation guidelines (Richards et al. 2015 PMID: 25741868, with internal and published modifications).